The following is an entry in ClinVar:

ClinVar aggregate classification (germline): Uncertain significance (1 of 4 stars; one submission).

Conditions:
Mucolipidosis type II. Also called: ML II ALPHA/BETA; Mucolipidosis 2; ML 2; Inclusion cell disease; Leroy Disease; N-acetylglucosamine 1phosphotransferase deficiency. Identifiers: Orphanet 576, MedGen C2673377, MONDO:0009650, OMIM 252500.

gnomAD v4.1: 1 of 1,574,564 alleles (0.000064%); highest among the groups gnomAD compares: South Asian, 0.0011%; no homozygotes.

Submission:

Neuberg Centre For Genomic Medicine, NCGM
Classification: Uncertain significance for Mucolipidosis type II. Last evaluated: 2023-05-20. Review status: criteria provided, single submitter. Criteria: ACMG Guidelines, 2015. Collection method: clinical testing. Allele origin: germline. Inheritance: Autosomal recessive inheritance. Affected: yes.
Comment: The observed splice region variant c.203+5G>C in the GNPTAB gene has not been reported previously as a pathogenic variant nor as a benign variant, to our knowledge. This variant is reported with the allele frequency 0.0004% in the gnomAD Exomes. This splice region variant in intron 2 affects the position five nucleotides downstream of exon 2. The variant is predicted to be damaging by SpliceAI prediction tool. For these reasons, this variant has been classified as Uncertain Significance (VUS).

NM_024312.5(GNPTAB):c.203+5G>C

Gene: GNPTAB (N-acetylglucosamine-1-phosphate transferase subunits alpha and beta; minus strand). Cytogenetic location: 12q23.2.
Variant type: single nucleotide variant.
Coding change: c.203+5G>C on transcript NM_024312.5 (MANE Select); 5 bases into the intron after coding-DNA position 203, G replaced by C.
Molecular consequence: intron variant.
Genome position (GRCh38, 1-based): chr12:101,796,672, C>G on the plus strand (G>C on the coding strand, the complement: GNPTAB is on the minus strand). VCF-style: chr12-101796672-C-G. GRCh37 (hg19) VCF-style: chr12-102190450-C-G.
Identifiers: ClinVar variation 3341444 (VCV003341444.1).
Genomic context (GRCh38, chr12:101,796,672, plus strand): 5'-AGGATGGCTATTTCATGACTTACGATTTAGGTCCAAATAATAGATTTCTCCAAAATAGAT[C>G]TTACCGATTCTGAAAGGACTTTCCAGCAATATTGTCTCTATAGGAATCAAACAAAACATG-3'